The following is an entry in ClinVar:

ClinVar aggregate classification (germline): Uncertain significance (1 of 4 stars; one submission).

Allele frequency attached by ClinVar (database versions not stated): gnomAD exomes below 0.00001.
gnomAD v4.1: 1 of 1,614,098 alleles (0.000062%); highest among the groups gnomAD compares: Non-Finnish European, 0.000085%; no homozygotes.

Submission:

Ambry Genetics
Classification: Uncertain significance. Last evaluated: 2023-12-14. Review status: criteria provided, single submitter. Criteria: Ambry Variant Classification Scheme 2023. Collection method: clinical testing. Allele origin: germline.
Comment: The p.G1658E variant (also known as c.4973G>A), located in coding exon 4 of the ALPK2 gene, results from a G to A substitution at nucleotide position 4973. The glycine at codon 1658 is replaced by glutamic acid, an amino acid with similar properties. This amino acid position is conserved. In addition, this alteration is predicted to be tolerated by in silico analysis. Since supporting evidence is limited at this time, the clinical significance of this alteration remains unclear.

NM_052947.4(ALPK2):c.4973G>A (p.Gly1658Glu)

Gene: ALPK2 (alpha kinase 2; minus strand). Cytogenetic location: 18q21.31.
Variant type: single nucleotide variant.
Coding change: c.4973G>A on transcript NM_052947.4 (MANE Select); coding-DNA position 4973, G replaced by A.
Protein change: p.Gly1658Glu; replaces glycine 1658 with glutamic acid.
Molecular consequence: missense variant.
Genome position (GRCh38, 1-based): chr18:58,535,214, C>T on the plus strand (G>A on the coding strand, the complement: ALPK2 is on the minus strand). VCF-style: chr18-58535214-C-T. GRCh37 (hg19) VCF-style: chr18-56202446-C-T.
Other names: short protein forms G1658E.
Identifiers: ClinVar variation 3228777 (VCV003228777.1), dbSNP rs886991413, ClinGen allele CA300926180.